The following is an entry in ClinVar:

NM_001142800.2(EYS):c.4120C>T (p.Arg1374Ter)

Gene: EYS (EGF-like photoreceptor maintenance factor; minus strand). Cytogenetic location: 6q12.
Variant type: single nucleotide variant.
Coding change: c.4120C>T on transcript NM_001142800.2 (MANE Select); coding-DNA position 4120, C replaced by T.
Protein change: p.Arg1374Ter; replaces arginine 1374 with a stop codon.
Molecular consequence: nonsense.
Genome position (GRCh38, 1-based): chr6:64,591,747, G>A on the plus strand (C>T on the coding strand, the complement: EYS is on the minus strand). VCF-style: chr6-64591747-G-A. GRCh37 (hg19) VCF-style: chr6-65301640-G-A.
Other names: NP_001136272.1:p.(Arg1374Ter); c.4120C>T, p.Arg1374Ter (NM_001292009.2); short protein forms R1374*.
Identifiers: ClinVar variation 802236 (VCV000802236.17), dbSNP rs928803207, ClinGen allele CA140340971.

ClinVar aggregate classification (germline): Pathogenic. Review status: criteria provided, multiple submitters, no conflicts (2 of 4 stars). 8 submissions from 8 submitters: Pathogenic (8). Last evaluated 2025-12-31.

Conditions:
Retinitis pigmentosa 25 (RP25). Identifiers: Orphanet 791, MedGen C1864446, MONDO:0011272, OMIM 602772.
EYS-related disorder. Also called: EYS-related condition.
Retinitis pigmentosa (RP). Identifiers: Orphanet 791, MedGen C0035334, MeSH D012174, MONDO:0019200, OMIM 268000. Inheritance: Autosomal dominant, autosomal recessive and X linked inheritance.

Allele frequency attached by ClinVar (database versions not stated): gnomAD exomes 0.00001; gnomAD 0.00003; TOPMed 0.00006.
gnomAD v4.1: 17 of 1,551,204 alleles (0.0011%); highest among the groups gnomAD compares: Admixed American, 0.016%; no homozygotes.

Submissions (8):

Labcorp Genetics (formerly Invitae), Labcorp
Classification: Pathogenic. Last evaluated: 2025-12-31. Review status: criteria provided, single submitter. Criteria: Invitae Variant Classification Sherloc (09022015). Collection method: clinical testing. Allele origin: germline.
Comment: This sequence change creates a premature translational stop signal (p.Arg1374*) in the EYS gene. It is expected to result in an absent or disrupted protein product. Loss-of-function variants in EYS are known to be pathogenic (PMID: 18836446, 20333770). This variant is present in population databases (no rsID available, gnomAD 0.01%). This premature translational stop signal has been observed in individuals with retinitis pigmentosa (PMID: 21069908, 29159838, 29550188). It has also been observed to segregate with disease in related individuals. ClinVar contains an entry for this variant (Variation ID: 802236). For these reasons, this variant has been classified as Pathogenic.

Natera, Inc.
Classification: Pathogenic for Retinitis pigmentosa type 25. Last evaluated: 2025-05-12. Review status: criteria provided, single submitter. Criteria: Natera Variant Classification Schema (03/2026). Collection method: clinical testing. Allele origin: germline.
Comment: The c.4120C>T variant in EYS is a nonsense variant predicted to introduce a stop codon at amino acid 1374. This variant is expected to result in nonsense mediated decay, truncation, or a dysfunctional protein product. This variant is rare in the general population with a frequency below the threshold expected for the associated phenotype(s). This variant has been observed in one or more individuals affected with the associated recessive disease, as either homozygous or compound heterozygous with a second variant (PMID: 21069908, 29550188). Additionally, this variant has been observed to segregate in affected family members (PMID: 21069908). Given the available evidence, this variant is classified as Pathogenic.

Fulgent Genetics
Classification: Pathogenic for Retinitis pigmentosa 25. Last evaluated: 2024-05-17. Review status: criteria provided, single submitter. Criteria: ACMG Guidelines, 2015. Collection method: clinical testing. Allele origin: germline.

Baylor Genetics
Classification: Pathogenic for Retinitis pigmentosa 25. Last evaluated: 2024-03-20. Review status: criteria provided, single submitter. Criteria: ACMG Guidelines, 2015. Collection method: clinical testing. Allele origin: unknown.

Ophthalmic Genetics Group, Institute of Molecular and Clinical Ophthalmology Basel
Classification: Pathogenic for Retinitis pigmentosa. Last evaluated: 2023-07-24. Review status: criteria provided, single submitter. Criteria: ACMG Guidelines, 2015. Collection method: research. Allele origin: germline. Affected: yes. Observed: 4 variant alleles.
Comment: Clinical significance based on ACMG v2.0

This variant was classified as Pathogenic based on ACMG criteria: PVS1, PM2, PP5.

Women's Health and Genetics/Laboratory Corporation of America, LabCorp
Classification: Pathogenic for Retinitis pigmentosa. Last evaluated: 2023-03-21. Review status: criteria provided, single submitter. Criteria: LabCorp Variant Classification Summary - May 2015. Collection method: clinical testing. Allele origin: germline.
Comment: Variant summary: EYS c.4120C>T (p.Arg1374X) results in a premature termination codon, predicted to cause a truncation of the encoded protein or absence of the protein due to nonsense mediated decay, which are commonly known mechanisms for disease. Truncations downstream of this position have been classified as pathogenic by our laboratory. The variant allele was found at a frequency of 1.3e-05 in 153766 control chromosomes (gnomAD). c.4120C>T has been reported in the literature as a biallelic genotype in individuals affected with Retinitis Pigmentosa (e.g. Barragan_2010, Sengillo_2018). These data indicate that the variant is likely to be associated with disease. To our knowledge, no experimental evidence demonstrating an impact on protein function has been reported. Three ClinVar submitters have assessed the variant since 2014: all three classified the variant as pathogenic. Based on the evidence outlined above, the variant was classified as pathogenic.

Mendelics
Classification: Pathogenic for Retinitis pigmentosa 25. Last evaluated: 2019-05-28. Review status: criteria provided, single submitter. Criteria: Mendelics Assertion Criteria 2017. Collection method: clinical testing. Allele origin: unknown.

Blueprint Genetics
Classification: Pathogenic for EYS-related disorders. Last evaluated: 2017-09-27. Review status: criteria provided, single submitter. Criteria: ACMG Guidelines, 2015. Collection method: clinical testing. Allele origin: germline. Affected: yes. Observed: 2 variant alleles.

Literature cited by the submitters: PubMed 18836446 (cited by Labcorp Genetics (formerly Invitae), Labcorp); PubMed 20333770 (cited by Labcorp Genetics (formerly Invitae), Labcorp); PubMed 21069908 (cited by 3 submitters); PubMed 29159838 (cited by Labcorp Genetics (formerly Invitae), Labcorp); PubMed 29550188 (cited by 3 submitters); PubMed 36909829 (cited by Ophthalmic Genetics Group, Institute of Molecular and Clinical Ophthalmology Basel).